The following is an entry in ClinVar:

ClinVar aggregate classification (germline): Likely benign. Review status: reviewed by expert panel (3 of 4 stars). 3 submissions from 3 submitters: Likely benign (1). 2 of the submissions do not count toward it. Last evaluated 2025-06-03.

Conditions:
VWF-related disorder. Also called: VWF-related condition; VWF-related disorders.
Hereditary von Willebrand disease. Identifiers: Orphanet 903, MedGen C5703318, MONDO:0019565. Inheritance: Autosomal recessive or Autosomal dominant.

Allele frequency attached by ClinVar (database versions not stated): ExAC 0.00007; ESP Exome Variant Server 0.00008; gnomAD 0.00013 and 0.00014; gnomAD exomes 0.00013; TOPMed 0.00015.
gnomAD v4.1: 504 of 1,613,246 alleles (0.031%); highest among the groups gnomAD compares: Non-Finnish European, 0.041%; no homozygotes.

Submissions (3):

ClinGen von Willebrand Disease Variant Curation Expert Panel, ClinGen
Classification: Likely benign for Hereditary von Willebrand disease. Last evaluated: 2025-06-03. Review status: reviewed by expert panel. Criteria: ClinGen VWD 2A B M Rules. Collection method: curation. Allele origin: germline.
Comment: The NM_000552.5(VWF):c.858C>T (p.Thr286=) variant is a synonymous that is not predicted by SpliceAI to impact splicing (delta scores <0.1). In addition, it occurs at a nucleotide that is not conserved as shown by phyloP score of 0.52 (BP4, BP7). The Grpmax filtering allele frequency in gnomAD v4.1 is 0.00037634 (based on 480/1180012 alleles in the Non-Finnish European population). This intermediate allele frequency is lower than the ClinGen VWD VCEP threshold (>0.01) for BS1 but higher than the threshold for PM2_Supporting (<0.0001). No VWD patient has been identified with this variant. In summary, this variant meets the criteria to be classified as likely benign for hereditary VWD based on the application of ACMG/AMP criteria applied, as specified by the ClinGen VWD VCEP: BP4, BP7.

Women's Health and Genetics/Laboratory Corporation of America, LabCorp
Classification: Likely benign. Last evaluated: 2024-03-08. Review status: criteria provided, single submitter. Criteria: LabCorp Variant Classification Summary - May 2015. Collection method: clinical testing. Allele origin: germline. Not counted in ClinVar's aggregate classification.

PreventionGenetics, part of Exact Sciences
Classification: Likely benign for VWF-related condition. Last evaluated: 2020-02-18. Review status: no assertion criteria provided. Collection method: clinical testing. Allele origin: germline. Not counted in ClinVar's aggregate classification.
Comment: This variant is classified as likely benign based on ACMG/AMP sequence variant interpretation guidelines (Richards et al. 2015 PMID: 25741868, with internal and published modifications).

NM_000552.5(VWF):c.8160G>A (p.Glu2720=)

Gene: VWF (von Willebrand factor; minus strand). Cytogenetic location: 12p13.31.
Variant type: single nucleotide variant.
Coding change: c.8160G>A on transcript NM_000552.5 (MANE Select); coding-DNA position 8160, G replaced by A.
Protein change: p.Glu2720=; no amino-acid change (glutamic acid 2720 retained).
Molecular consequence: synonymous variant.
Genome position (GRCh38, 1-based): chr12:5,949,879, C>T on the plus strand (G>A on the coding strand, the complement: VWF is on the minus strand). VCF-style: chr12-5949879-C-T. GRCh37 (hg19) VCF-style: chr12-6059045-C-T.
Other names: NM_000552.5(VWF):c.8160G>A; p.Glu2720=; c.8160G>A (NM_000552.4).
Identifiers: ClinVar variation 310032 (VCV000310032.9), dbSNP rs368802960, ClinGen allele CA6401365.
Genomic context (GRCh38, chr12:5,949,879, plus strand): 5'-CTTACAGCTTCCCACCTTGACATACTGCAGCCTGGCAGTGATGTCGTTGCACTCAGGCTC[C>T]TCACCTACAGGACAGGTGAGAGATGAAACTTGAGGACTGGCTGGGGTTCTAGAGAACACT-3'
Protein context (NP_000543.3, residues 2710-2730): KIPGTCCDTC[Glu2720=]EPECNDITAR